The following is an entry in ClinVar:

ClinVar aggregate classification (germline): Uncertain significance. Review status: criteria provided, multiple submitters, no conflicts (2 of 4 stars). 2 submissions from 2 submitters: Uncertain significance (2). Last evaluated 2025-06-10.

Conditions:
Inborn genetic diseases. Identifiers: MedGen C0950123, MeSH D030342.

Allele frequency attached by ClinVar (database versions not stated): gnomAD exomes below 0.00001.
gnomAD v4.1: 4 of 1,613,956 alleles (0.00025%); highest among the groups gnomAD compares: Non-Finnish European, 0.00017%; no homozygotes.

Submissions (2):

Ambry Genetics
Classification: Uncertain significance for Inborn genetic diseases. Last evaluated: 2025-06-10. Review status: criteria provided, single submitter. Criteria: Ambry Variant Classification Scheme 2023. Collection method: clinical testing. Allele origin: germline.

Labcorp Genetics (formerly Invitae), Labcorp
Classification: Uncertain significance. Last evaluated: 2022-11-03. Review status: criteria provided, single submitter. Criteria: Invitae Variant Classification Sherloc (09022015). Collection method: clinical testing. Allele origin: germline.
Comment: This variant is not present in population databases (gnomAD no frequency). In summary, the available evidence is currently insufficient to determine the role of this variant in disease. Therefore, it has been classified as a Variant of Uncertain Significance. Advanced modeling of protein sequence and biophysical properties (such as structural, functional, and spatial information, amino acid conservation, physicochemical variation, residue mobility, and thermodynamic stability) performed at Invitae indicates that this missense variant is not expected to disrupt NEDD4L protein function. ClinVar contains an entry for this variant (Variation ID: 999757). This variant has not been reported in the literature in individuals affected with NEDD4L-related conditions. This sequence change replaces proline, which is neutral and non-polar, with leucine, which is neutral and non-polar, at codon 304 of the NEDD4L protein (p.Pro304Leu).

NM_001144967.3(NEDD4L):c.911C>T (p.Pro304Leu)

Gene: NEDD4L (NEDD4 like E3 ubiquitin protein ligase; plus strand). Cytogenetic location: 18q21.31.
Variant type: single nucleotide variant.
Coding change: c.911C>T on transcript NM_001144967.3 (MANE Select); coding-DNA position 911, C replaced by T.
Protein change: p.Pro304Leu; replaces proline 304 with leucine.
Molecular consequence: missense variant.
Genome position (GRCh38, 1-based): chr18:58,330,835, C>T. VCF-style: chr18-58330835-C-T. GRCh37 (hg19) VCF-style: chr18-55998067-C-T.
Other names: c.911C>T (NM_015277.5); c.548C>T, p.Pro183Leu (NM_001144964.1, NM_001144965.2, NM_001144966.3 and 2 more transcripts); c.887C>T, p.Pro296Leu (NM_001144968.2, NM_001144969.2); c.911C>T, p.Pro304Leu (NM_001243960.2, NM_015277.6); short protein forms P183L, P296L, P304L.
Identifiers: ClinVar variation 999757 (VCV000999757.7), dbSNP rs2059730890, ClinGen allele CA402555662.